The following is an entry in ClinVar:

NM_147127.5(EVC2):c.3426C>T (p.Leu1142=)

Gene: EVC2 (EvC ciliary complex subunit 2; minus strand). Cytogenetic location: 4p16.2.
Variant type: single nucleotide variant.
Coding change: c.3426C>T on transcript NM_147127.5 (MANE Select); coding-DNA position 3426, C replaced by T.
Protein change: p.Leu1142=; no amino-acid change (leucine 1142 retained).
Molecular consequence: synonymous variant.
Genome position (GRCh38, 1-based): chr4:5,568,575, G>A on the plus strand (C>T on the coding strand, the complement: EVC2 is on the minus strand). VCF-style: chr4-5568575-G-A. GRCh37 (hg19) VCF-style: chr4-5570302-G-A.
Other names: c.3186C>T, p.Leu1062= (NM_001166136.2).
Identifiers: ClinVar variation 1141017 (VCV001141017.11), dbSNP rs1321179195, ClinGen allele CA438203282.
Genomic context (GRCh38, chr4:5,568,575, plus strand): 5'-GGCCGAATCCAGCAGGGCCAGCAGCTGAGGCTGTGAGGCTGTGGGCAGTACCACACTCAG[G>A]AGCCGGCGAAGCGTGGCCCCGGGCACCATGGCCATCCTCGCCAGGTACGATGCCAGTCTC-3'
Protein context (NP_667338.3, residues 1132-1152): AMVPGATLRR[Leu1142=]LSVVLPTASQ

ClinVar aggregate classification (germline): Likely benign. Review status: criteria provided, multiple submitters, no conflicts (2 of 4 stars). 2 submissions from 2 submitters: Likely benign (2). Last evaluated 2026-07-01.

Conditions:
Curry-Hall syndrome (WAD). Also called: WEYERS ACRODENTAL DYSOSTOSIS. Identifiers: Orphanet 952, MedGen C0457013, MONDO:0008673, OMIM 193530.
Ellis-van Creveld syndrome (EVC). Also called: Chondroectodermal dysplasia; MESOECTODERMAL DYSPLASIA. Identifiers: Orphanet 289, MedGen C0013903, MONDO:0009162, OMIM 225500.

Allele frequency attached by ClinVar (database versions not stated): gnomAD exomes below 0.00001; gnomAD 0.00001.
gnomAD v4.1: 3 of 1,607,340 alleles (0.00019%); highest among the groups gnomAD compares: South Asian, 0.0011%; no homozygotes.

Submissions (2):

CeGaT Center for Human Genetics Tuebingen
Classification: Likely benign. Last evaluated: 2026-07-01. Review status: criteria provided, single submitter. Criteria: CeGaT Center For Human Genetics Tuebingen Variant Classification Criteria Version 2. Collection method: clinical testing. Allele origin: germline. Affected: yes. Observed: 1 variant allele.
Comment: EVC2: BP4, BP7

Labcorp Genetics (formerly Invitae), Labcorp
Classification: Likely benign for Curry-Hall syndrome; Ellis-van Creveld syndrome. Last evaluated: 2023-04-27. Review status: criteria provided, single submitter. Criteria: Invitae Variant Classification Sherloc (09022015). Collection method: clinical testing. Allele origin: germline.